The following is an entry in ClinVar:

ClinVar aggregate classification (germline): Uncertain significance (1 of 4 stars; one submission).

Conditions:
Cystic fibrosis (CF). Also called: MUCOVISCIDOSIS. Identifiers: Orphanet 586, MedGen C0010674, MONDO:0009061, OMIM 219700. Disease mechanism: loss of function.

Submission:

Ambry Genetics
Classification: Uncertain significance for Cystic fibrosis. Last evaluated: 2021-12-10. Review status: criteria provided, single submitter. Criteria: Ambry Variant Classification Scheme 2023. Collection method: clinical testing. Allele origin: germline.
Comment: The p.R516I variant (also known as c.1547G>T), located in coding exon 11 of the CFTR gene, results from a G to T substitution at nucleotide position 1547. The arginine at codon 516 is replaced by isoleucine, an amino acid with similar properties. This amino acid position is conserved. In addition, this alteration is predicted to be deleterious by in silico analysis. Since supporting evidence is limited at this time, the clinical significance of this alteration remains unclear.

NM_000492.4(CFTR):c.1547G>T (p.Arg516Ile)

Genes: CFTR (CF transmembrane conductance regulator; plus strand), CFTR-AS1 (CFTR antisense RNA 1; minus strand). Cytogenetic location: 7q31.2.
Variant type: single nucleotide variant.
Coding change: c.1547G>T on transcript NM_000492.4 (MANE Select); coding-DNA position 1547, G replaced by T.
Protein change: p.Arg516Ile; replaces arginine 516 with isoleucine.
Molecular consequence: missense variant.
Genome position (GRCh38, 1-based): chr7:117,559,618, G>T. VCF-style: chr7-117559618-G-T. GRCh37 (hg19) VCF-style: chr7-117199672-G-T.
Other names: short protein forms R516I.
Identifiers: ClinVar variation 1774962 (VCV001774962.2), dbSNP rs2485065909, ClinGen allele CA368984852.
Genomic context (GRCh38, chr7:117,559,618, plus strand): 5'-GGATTATGCCTGGCACCATTAAAGAAAATATCATCTTTGGTGTTTCCTATGATGAATATA[G>T]ATACAGAAGCGTCATCAAAGCATGCCAACTAGAAGAGGTAAGAAACTATGTGAAAACTTT-3'
Protein context (NP_000483.3, residues 506-526): IIFGVSYDEY[Arg516Ile]YRSVIKACQL